The following is an entry in ClinVar:

ClinVar aggregate classification (germline): Uncertain significance. Review status: criteria provided, multiple submitters, no conflicts (2 of 4 stars). 2 submissions from 2 submitters: Uncertain significance (2). Last evaluated 2024-12-13.

gnomAD v4.1: 13 of 1,607,040 alleles (0.00081%); highest among the groups gnomAD compares: African/African-American, 0.0027%; no homozygotes.

Submissions (2):

Labcorp Genetics (formerly Invitae), Labcorp
Classification: Uncertain significance. Last evaluated: 2024-12-13. Review status: criteria provided, single submitter. Criteria: Invitae Variant Classification Sherloc (09022015). Collection method: clinical testing. Allele origin: germline.
Comment: This sequence change replaces glycine, which is neutral and non-polar, with arginine, which is basic and polar, at codon 96 of the TNFRSF6B protein (p.Gly96Arg). The frequency data for this variant in the population databases is considered unreliable, as metrics indicate poor data quality at this position in the gnomAD database. This variant has not been reported in the literature in individuals affected with TNFRSF6B-related conditions. An algorithm developed to predict the effect of missense changes on protein structure and function outputs the following: PolyPhen-2: "Probably Damaging". The arginine amino acid residue is found in multiple mammalian species, which suggests that this missense change does not adversely affect protein function. In summary, the available evidence is currently insufficient to determine the role of this variant in disease. Therefore, it has been classified as a Variant of Uncertain Significance.

Ambry Genetics
Classification: Uncertain significance. Last evaluated: 2024-12-04. Review status: criteria provided, single submitter. Criteria: Ambry Variant Classification Scheme 2023. Collection method: clinical testing. Allele origin: germline.

NM_003823.4(TNFRSF6B):c.286G>A (p.Gly96Arg)

Genes: RTEL1-TNFRSF6B (RTEL1-TNFRSF6B readthrough (NMD candidate); plus strand), TNFRSF6B (TNF receptor superfamily member 6b; plus strand). Cytogenetic location: 20q13.33.
Variant type: single nucleotide variant.
Coding change: c.286G>A on transcript NM_003823.4 (MANE Select); coding-DNA position 286, G replaced by A.
Protein change: p.Gly96Arg; replaces glycine 96 with arginine.
Molecular consequence: missense variant. On other transcripts: non-coding transcript variant (1).
Genome position (GRCh38, 1-based): chr20:63,697,053, G>A. VCF-style: chr20-63697053-G-A. GRCh37 (hg19) VCF-style: chr20-62328406-G-A.
Other names: short protein forms G96R.
Identifiers: ClinVar variation 3459200 (VCV003459200.3).